The following is an entry in ClinVar:

ClinVar aggregate classification (germline): Pathogenic/Likely pathogenic. Review status: criteria provided, multiple submitters, no conflicts (2 of 4 stars). 3 submissions from 3 submitters: Pathogenic (2); Likely pathogenic (1). Last evaluated 2023-07-25.

Conditions:
Usher syndrome type 2A. Also called: RETINAL DISEASE IN USHER SYNDROME TYPE IIA, MODIFIER OF; USHER SYNDROME, TYPE IIA. Identifiers: Orphanet 231178, Orphanet 886, MedGen C1848634, MONDO:0010169, OMIM 276901.
USH2A-related disorder. Also called: USH2A-related disorders; USH2A-related condition. Identifiers: MedGen CN239332.

Submissions (3):

Labcorp Genetics (formerly Invitae), Labcorp
Classification: Pathogenic. Last evaluated: 2023-07-25. Review status: criteria provided, single submitter. Criteria: Invitae Variant Classification Sherloc (09022015). Collection method: clinical testing. Allele origin: germline.
Comment: This sequence change creates a premature translational stop signal (p.Tyr1279*) in the USH2A gene. It is expected to result in an absent or disrupted protein product. Loss-of-function variants in USH2A are known to be pathogenic (PMID: 10729113, 10909849, 20507924, 25649381). This variant is not present in population databases (gnomAD no frequency). This variant has not been reported in the literature in individuals affected with USH2A-related conditions. ClinVar contains an entry for this variant (Variation ID: 1723233). For these reasons, this variant has been classified as Pathogenic.

Center for Human Genetics and Genomic Medicine, Uniklinik Rwth Aachen
Classification: Pathogenic for Usher syndrome type 2A. Last evaluated: 2022-10-19. Review status: criteria provided, single submitter. Criteria: ACMG Guidelines, 2015. Collection method: clinical testing. Allele origin: unknown. Inheritance: Autosomal recessive inheritance. Affected: yes. Observed: 1 compound heterozygote.
Comment: The variant results in a reading frame shift leading to a premature stop codon and thus with high probability to loss of function of the corresponding protein. The variant is not listed in control collectives (gnomAD) and has not yet been described in the ClinVar database or in the literature. In case of stop or nonsense variants in a gene that matches the phenotype, in which "loss of function" changes represent a known pathomechanism, there is a high probability of pathogenetic relevance. The variant was observed in trans with a known pathogenic variant. The variant is currently to be regarded as a "likely pathogenic variant" (ACMG criteria).

Blueprint Genetics
Classification: Likely pathogenic for USH2A-related disorders. Last evaluated: 2019-09-30. Review status: criteria provided, single submitter. Criteria: ACMG Guidelines, 2015. Collection method: clinical testing. Allele origin: germline. Affected: yes. Observed: 1 variant allele.

Literature cited by the submitters: PubMed 10729113 (cited by Labcorp Genetics (formerly Invitae), Labcorp); PubMed 10909849 (cited by Labcorp Genetics (formerly Invitae), Labcorp); PubMed 20507924 (cited by Labcorp Genetics (formerly Invitae), Labcorp); PubMed 25649381 (cited by Labcorp Genetics (formerly Invitae), Labcorp).

NM_206933.4(USH2A):c.3837del (p.Leu1278_Tyr1279insTer)

Genes: USH2A (usherin; minus strand), USH2A-AS1 (USH2A antisense RNA 1; plus strand). Cytogenetic location: 1q41.
Variant type: Deletion.
Coding change: c.3837del on transcript NM_206933.4 (MANE Select); coding-DNA position 3837, one base deleted (C; older notation c.3837delC).
Protein change: p.Leu1278_Tyr1279insTer.
Molecular consequence: nonsense.
Genome position (GRCh38, 1-based): chr1:216,198,559, G deleted on the plus strand (C on the coding strand, the reverse complement: USH2A is on the minus strand). VCF-style (leftmost placement, unchanged base first): chr1-216198558-TG-T. GRCh37 (hg19) VCF-style: chr1-216371900-TG-T.
Other names: c.3837del, p.Leu1278_Tyr1279insTer (NM_007123.6).
Identifiers: ClinVar variation 1723233 (VCV001723233.6), dbSNP rs2528042112, ClinGen allele CA2580062129.